The following is an entry in ClinVar:

ClinVar aggregate classification (germline): Benign/Likely benign. Review status: criteria provided, multiple submitters, no conflicts (2 of 4 stars). 5 submissions from 5 submitters: Benign (3); Likely benign (1). 1 of the submissions does not count toward it. Last evaluated 2026-01-22.

Conditions:
Immunodeficiency due to MASP-2 deficiency. Also called: MASP2 deficiency; LECTIN COMPLEMENT ACTIVATION PATHWAY, DEFECT IN, 2. Identifiers: Orphanet 331187, MedGen C3151085, MONDO:0013423, OMIM 613791.
MASP2-related disorder. Also called: MASP2-related condition.

Allele frequency attached by ClinVar (database versions not stated): gnomAD exomes 0.00509; ExAC 0.00646; gnomAD 0.01976 and 0.02122; 1000 Genomes Project 0.01977; 1000 Genomes Project 30x 0.02155; TOPMed 0.02234; ESP Exome Variant Server 0.02568.
gnomAD v4.1: 6,008 of 1,613,498 alleles (0.37%); highest among the groups gnomAD compares: African/African-American, 6.9%; 188 homozygotes.

Submissions (5):

Women's Health and Genetics/Laboratory Corporation of America, LabCorp
Classification: Likely benign. Last evaluated: 2026-01-22. Review status: criteria provided, single submitter. Criteria: LabCorp Variant Classification Summary - May 2015. Collection method: clinical testing. Allele origin: germline.

Labcorp Genetics (formerly Invitae), Labcorp
Classification: Benign. Last evaluated: 2019-12-31. Review status: criteria provided, single submitter. Criteria: Invitae Variant Classification Sherloc (09022015). Collection method: clinical testing. Allele origin: germline.

Illumina Laboratory Services, Illumina
Classification: Benign for Immunodeficiency due to MASP-2 deficiency. Last evaluated: 2018-01-13. Review status: criteria provided, single submitter. Criteria: ICSL Variant Classification Criteria 13 December 2019. Collection method: clinical testing. Allele origin: germline.
Comment: This variant was observed in the ICSL laboratory as part of a predisposition screen in an ostensibly healthy population. It had not been previously curated by ICSL or reported in the Human Gene Mutation Database (HGMD: prior to June 1st, 2018), and was therefore a candidate for classification through an automated scoring system. Utilizing variant allele frequency, disease prevalence and penetrance estimates, and inheritance mode, an automated score was calculated to assess if this variant is too frequent to cause the disease. Based on the score and internal cut-off values, a variant classified as benign is not then subjected to further curation. The score for this variant resulted in a classification of benign for this disease.

Breakthrough Genomics
Classification: Benign. Review status: criteria provided, single submitter. Criteria: ACMG Guidelines, 2015. Collection method: not provided. Allele origin: germline. Inheritance: Autosomal recessive inheritance. Affected: yes.

PreventionGenetics, part of Exact Sciences
Classification: Benign for MASP2-related condition. Last evaluated: 2019-07-11. Review status: no assertion criteria provided. Collection method: clinical testing. Allele origin: germline. Not counted in ClinVar's aggregate classification.
Comment: This variant is classified as benign based on ACMG/AMP sequence variant interpretation guidelines (Richards et al. 2015 PMID: 25741868, with internal and published modifications).

NM_006610.4(MASP2):c.296G>A (p.Arg99Gln)

Gene: MASP2 (MBL associated serine protease 2; minus strand). Cytogenetic location: 1p36.22.
Variant type: single nucleotide variant.
Coding change: c.296G>A on transcript NM_006610.4 (MANE Select); coding-DNA position 296, G replaced by A.
Protein change: p.Arg99Gln; replaces arginine 99 with glutamine.
Molecular consequence: missense variant.
Genome position (GRCh38, 1-based): chr1:11,046,672, C>T on the plus strand (G>A on the coding strand, the complement: MASP2 is on the minus strand). VCF-style: chr1-11046672-C-T. GRCh37 (hg19) VCF-style: chr1-11106729-C-T.
Other names: c.296G>A, p.Arg99Gln (NM_139208.3); short protein forms R99Q.
Identifiers: ClinVar variation 291808 (VCV000291808.13), dbSNP rs61735600, ClinGen allele CA587187.